The following is an entry in ClinVar:

NM_000312.4(PROC):c.335T>G (p.Ile112Ser)

Gene: PROC (protein C, inactivator of coagulation factors Va and VIIIa; plus strand). Cytogenetic location: 2q14.3.
Variant type: single nucleotide variant.
Coding change: c.335T>G on transcript NM_000312.4 (MANE Select); coding-DNA position 335, T replaced by G.
Protein change: p.Ile112Ser; replaces isoleucine 112 with serine.
Molecular consequence: missense variant.
Genome position (GRCh38, 1-based): chr2:127,423,106, T>G. VCF-style: chr2-127423106-T-G. GRCh37 (hg19) VCF-style: chr2-128180682-T-G.
Other names: c.398T>G, p.Ile133Ser (NM_001375604.1, NM_001375603.1); c.335T>G, p.Ile112Ser (NM_001375605.1, NM_001375608.1, NM_001375611.1 and 1 more transcripts); c.490T>G, p.Ser164Ala (NM_001375606.1); c.419T>G, p.Ile140Ser (NM_001375607.1); c.311T>G, p.Ile104Ser (NM_001375609.1); c.329T>G, p.Ile110Ser (NM_001375610.1); c.518T>G, p.Ile173Ser (NM_001375602.1); short protein forms I112S, I173S, I133S, S164A, I110S, I140S, I104S.
Identifiers: ClinVar variation 5027368 (VCV005027368.1).

ClinVar aggregate classification (germline): Uncertain significance (1 of 4 stars; one submission).

Conditions:
Inborn genetic diseases. Identifiers: MedGen C0950123, MeSH D030342.

Submission:

Ambry Genetics
Classification: Uncertain significance for Inborn genetic diseases. Last evaluated: 2026-07-09. Review status: criteria provided, single submitter. Criteria: Ambry Variant Classification Scheme 2023. Collection method: clinical testing. Allele origin: germline.
Comment: The c.335T>G (p.I112S) alteration is located in exon 5 (coding exon 4) of the PROC gene. This alteration results from a T to G substitution at nucleotide position 335, causing the isoleucine (I) at amino acid position 112 to be replaced by a serine (S). This variant was not reported in population-based cohorts in the Genome Aggregation Database (gnomAD). This amino acid position is not well conserved in available vertebrate species. The in silico prediction for this alteration is inconclusive. Based on insufficient or conflicting evidence, the clinical significance of this alteration remains unclear.